The following is an entry in ClinVar:

NM_000530.8(MPZ):c.301dup (p.Trp101fs)

Gene: MPZ (myelin protein zero; minus strand). Cytogenetic location: 1q23.3.
Variant type: Duplication.
Coding change: c.301dup on transcript NM_000530.8 (MANE Select); coding-DNA position 301, one base duplicated (T; older notation c.301dupT).
Protein change: p.Trp101fs; shifts the reading frame from tryptophan 101.
Molecular consequence: frameshift variant.
Genome position (GRCh38, 1-based): chr1:161,306,855, A duplicated on the plus strand (T on the coding strand, the reverse complement: MPZ is on the minus strand). VCF-style (leftmost placement, unchanged base first): chr1-161306854-C-CA. GRCh37 (hg19) VCF-style: chr1-161276644-C-CA.
Other names: c.301dup, p.Trp101fs (NM_001315491.2); c.301dupT (NM_000530.6); short protein forms W101fs.
Identifiers: ClinVar variation 1798896 (VCV001798896.5), dbSNP rs2526238723, ClinGen allele CA2580061339.

ClinVar aggregate classification (germline): Pathogenic. Review status: criteria provided, multiple submitters, no conflicts (2 of 4 stars). 2 submissions from 2 submitters: Pathogenic (2). Last evaluated 2022-11-06.

Conditions:
Inborn genetic diseases. Identifiers: MedGen C0950123, MeSH D030342.
Charcot-Marie-Tooth disease, type I (CMT1). Also called: Charcot-Marie-Tooth disease type 1; Charcot-Marie-Tooth, Type 1. Identifiers: Orphanet 65753, MedGen C0751036, MONDO:0019011.

Allele frequency attached by ClinVar (database versions not stated): gnomAD exomes below 0.00001.

Submissions (2):

Labcorp Genetics (formerly Invitae), Labcorp
Classification: Pathogenic for Charcot-Marie-Tooth disease, type I. Last evaluated: 2022-11-06. Review status: criteria provided, single submitter. Criteria: Invitae Variant Classification Sherloc (09022015). Collection method: clinical testing. Allele origin: germline.
Comment: For these reasons, this variant has been classified as Pathogenic. This variant has not been reported in the literature in individuals affected with MPZ-related conditions. This variant is not present in population databases (gnomAD no frequency). This sequence change creates a premature translational stop signal (p.Trp101Leufs*21) in the MPZ gene. It is expected to result in an absent or disrupted protein product. Loss-of-function variants in MPZ are known to be pathogenic (PMID: 14711881).

Ambry Genetics
Classification: Pathogenic for Inborn genetic diseases. Last evaluated: 2020-08-08. Review status: criteria provided, single submitter. Criteria: Ambry Variant Classification Scheme 2023. Collection method: clinical testing. Allele origin: germline.
Comment: The c.301dupT pathogenic mutation, located in coding exon 3 of the MPZ gene, results from a duplication of T at nucleotide position 301, causing a translational frameshift with a predicted alternate stop codon (p.W101Lfs*21). This alteration is expected to result in loss of function by premature protein truncation or nonsense-mediated mRNA decay. As such, this alteration is interpreted as a disease-causing mutation.

Literature cited by the submitters: PubMed 14711881 (cited by Labcorp Genetics (formerly Invitae), Labcorp).